The following is an entry in ClinVar:

ClinVar aggregate classification (germline): Uncertain significance. Review status: criteria provided, multiple submitters, no conflicts (2 of 4 stars). 2 submissions from 2 submitters: Uncertain significance (2). Last evaluated 2025-10-27.

Conditions:
Dilated cardiomyopathy 1W (CMD1W). Identifiers: Orphanet 154, MedGen C1969639, MONDO:0012667, OMIM 611407.
Cardiovascular phenotype. Identifiers: MedGen CN230736.

Allele frequency attached by ClinVar (database versions not stated): gnomAD exomes below 0.00001.
gnomAD v4.1: 2 of 1,613,856 alleles (0.00012%); highest among the groups gnomAD compares: Admixed American, 0.0017%; no homozygotes.

Submissions (2):

Ambry Genetics
Classification: Uncertain significance for Cardiovascular phenotype. Last evaluated: 2025-10-27. Review status: criteria provided, single submitter. Criteria: Ambry Variant Classification Scheme 2023. Collection method: clinical testing. Allele origin: germline.
Comment: The c.874+5C>T intronic variant results from a C to T substitution 5 nucleotides after coding exon 7 in the VCL gene. This nucleotide position is not well conserved in available vertebrate species. In silico splice site analysis predicts that this alteration will not have any significant effect on splicing. Based on the available evidence, the clinical significance of this variant remains unclear.

Labcorp Genetics (formerly Invitae), Labcorp
Classification: Uncertain significance for Dilated cardiomyopathy 1W. Last evaluated: 2025-08-25. Review status: criteria provided, single submitter. Criteria: Invitae Variant Classification Sherloc (09022015). Collection method: clinical testing. Allele origin: germline.
Comment: This sequence change falls in intron 7 of the VCL gene. It does not directly change the encoded amino acid sequence of the VCL protein. It affects a nucleotide within the consensus splice site. The frequency data for this variant in the population databases is considered unreliable, as metrics indicate poor data quality at this position in the gnomAD database. This variant has not been reported in the literature in individuals affected with VCL-related conditions. ClinVar contains an entry for this variant (Variation ID: 1419829). Variants that disrupt the consensus splice site are a relatively common cause of aberrant splicing (PMID: 17576681, 9536098). Algorithms developed to predict the effect of sequence changes on RNA splicing suggest that this variant is not likely to affect RNA splicing. In summary, the available evidence is currently insufficient to determine the role of this variant in disease. Therefore, it has been classified as a Variant of Uncertain Significance.

Literature cited by the submitters: PubMed 17576681 (cited by Labcorp Genetics (formerly Invitae), Labcorp); PubMed 9536098 (cited by Labcorp Genetics (formerly Invitae), Labcorp).

NM_014000.3(VCL):c.874+5C>T

Gene: VCL (vinculin; plus strand). Cytogenetic location: 10q22.2.
Variant type: single nucleotide variant.
Coding change: c.874+5C>T on transcript NM_014000.3 (MANE Select); 5 bases into the intron after coding-DNA position 874, C replaced by T.
Molecular consequence: intron variant.
Genome position (GRCh38, 1-based): chr10:74,082,549, C>T. VCF-style: chr10-74082549-C-T. GRCh37 (hg19) VCF-style: chr10-75842307-C-T.
Other names: c.874+5C>T (NM_003373.4, NM_014000.2).
Identifiers: ClinVar variation 1419829 (VCV001419829.8), dbSNP rs1261609577, ClinGen allele CA594395657.